The following is an entry in ClinVar:

ClinVar aggregate classification (germline): Likely pathogenic (1 of 4 stars; one submission).

Conditions:
Hearing impairment. Also called: Impaired Hearing. Identifiers: MedGen C1384666, MONDO:0005365, HP:0000365.

Submission:

Department of Otolaryngology – Head & Neck Surgery, Cochlear Implant Center
Classification: Likely pathogenic for Hearing impairment. Last evaluated: 2021-04-12. Review status: criteria provided, single submitter. Criteria: ClinGen HL ACMG Specifications v1. Collection method: clinical testing. Allele origin: germline. Affected: yes.
Comment: PVS1_Strong, PM2_Moderate, BP4_Supporting

Literature cited by the submitters: PubMed 30718709.

NM_032119.4(ADGRV1):c.16368G>C (p.Lys5456Asn)

Gene: ADGRV1 (adhesion G protein-coupled receptor V1; plus strand). Cytogenetic location: 5q14.3.
Variant type: single nucleotide variant.
Coding change: c.16368G>C on transcript NM_032119.4 (MANE Select); coding-DNA position 16368, G replaced by C.
Protein change: p.Lys5456Asn; replaces lysine 5456 with asparagine.
Molecular consequence: missense variant. On other transcripts: non-coding transcript variant (1).
Genome position (GRCh38, 1-based): chr5:90,823,596, G>C. VCF-style: chr5-90823596-G-C. GRCh37 (hg19) VCF-style: chr5-90119413-G-C.
Other names: short protein forms K5456N.
Identifiers: ClinVar variation 1065038 (VCV001065038.3), dbSNP rs2150302151, ClinGen allele CA360425792.